The following is an entry in ClinVar:

ClinVar aggregate classification (germline): Pathogenic. Review status: criteria provided, multiple submitters, no conflicts (2 of 4 stars). 10 submissions from 9 submitters: Pathogenic (8). 2 of the submissions do not count toward it. Last evaluated 2025-12-17.

Conditions:
Hereditary cancer-predisposing syndrome. Also called: Neoplastic Syndromes, Hereditary; Tumor predisposition; Hereditary neoplastic syndrome; Hereditary Cancer Syndrome. Identifiers: Orphanet 140162, MedGen C0027672, MeSH D009386, MONDO:0015356.
Multiple endocrine neoplasia type 2A. Also called: MULTIPLE ENDOCRINE NEOPLASIA, TYPE IIA; PTC SYNDROME; SIPPLE SYNDROME; MEN 2A; MEN-2A syndrome; Pheochromocytoma and amyloid producing medullary thyroid carcinoma. Identifiers: Orphanet 247698, Orphanet 653, MedGen C0025268, MeSH D018813, MONDO:0008234, OMIM 171400.
Familial medullary thyroid carcinoma (MTC). Also called: Thyroid cancer, familial medullary; MTC, familial; Familial Medullary Thyroid Carcinoma (FMTC). Identifiers: Orphanet 653, Orphanet 99361, MedGen C1833921, MONDO:0007958, OMIM 155240.
Multiple endocrine neoplasia type 2B. Also called: MEN 2B; Multiple endocrine neoplasia, type 3; MULTIPLE ENDOCRINE NEOPLASIA, TYPE IIB; MUCOSAL NEUROMA SYNDROME; NEUROMATA, MUCOSAL, WITH ENDOCRINE TUMORS; WAGENMANN-FROBOESE SYNDROME. Identifiers: Orphanet 247709, Orphanet 653, MedGen C0025269, MeSH D018814, MONDO:0008082, OMIM 162300.
Multiple endocrine neoplasia, type 2 (MEN2). Identifiers: Orphanet 653, MedGen C4048306, MONDO:0019003. Disease mechanism: gain of function.
Pheochromocytoma. Also called: MAX-Related Hereditary Paraganglioma-Pheochromocytoma Syndrome. Identifiers: Orphanet 29072, MedGen C0031511, MONDO:0008233, OMIM 171300, HP:0002666.

Allele frequency attached by ClinVar (database versions not stated): gnomAD exomes below 0.00001.

Submissions 1 to 6 of 10:

Labcorp Genetics (formerly Invitae), Labcorp
Classification: Pathogenic for Multiple endocrine neoplasia, type 2. Last evaluated: 2025-12-17. Review status: criteria provided, single submitter. Criteria: Invitae Variant Classification Sherloc (09022015). Collection method: clinical testing. Allele origin: germline.
Comment: This sequence change replaces cysteine, which is neutral and slightly polar, with tryptophan, which is neutral and slightly polar, at codon 634 of the RET protein (p.Cys634Trp). This variant is present in population databases (rs77709286, gnomAD 0.003%). This missense change has been observed in individual(s) with multiple endocrine neoplasia type 2 (PMID: 11939755, 24331334). It has also been observed to segregate with disease in related individuals. ClinVar contains an entry for this variant (Variation ID: 13918). An algorithm developed to predict the effect of missense changes on protein structure and function (PolyPhen-2) suggests that this variant is likely to be disruptive. Experimental studies have shown that this missense change affects RET function (PMID: 7824936). This variant disrupts the p.Cys634 amino acid residue in RET. Other variant(s) that disrupt this residue have been determined to be pathogenic (PMID: 7907913, 12000816). This suggests that this residue is clinically significant, and that variants that disrupt this residue are likely to be disease-causing. For these reasons, this variant has been classified as Pathogenic.

Quest Diagnostics Nichols Institute San Juan Capistrano
Classification: Pathogenic. Last evaluated: 2025-04-02. Review status: criteria provided, single submitter. Criteria: Quest Diagnostics criteria. Collection method: clinical testing. Allele origin: unknown.
Comment: The RET c.1902C>G (p.Cys634Trp) variant has been reported in the published literature in multiple individuals affected with MEN 2A syndrome including medullary thyroid carcinoma and pheochromocytoma (PMID: 39673085 (2024), 33219105 (2022), 31263477 (2019), 30763276 (2019), 28469506 (2017), 27539324 (2016), 20672905 (2011), 21765987 (2011)). This variant also co-segregated with disease in three families affected with MEN 2A (PMID: 33450337 (2021), 24331334 (2013), 11939755 (2002)). In addition, in vitro analysis of patient cells carrying the variant suggested that it is damaging to RET protein function (PMID: 7824936 (1995)). Several variants affecting this cysteine residue in the RET protein (p.C634F/G/R/S/W/Y) have been reported in affected individuals (PMID: 30763276 (2019)). The frequency of this variant in the general population (Genome Aggregation Database) is consistent with pathogenicity. Based on the available information, this variant is classified as pathogenic.

Ambry Genetics
Classification: Pathogenic for Hereditary cancer-predisposing syndrome. Last evaluated: 2025-03-03. Review status: criteria provided, single submitter. Criteria: Ambry Variant Classification Scheme 2023. Collection method: clinical testing. Allele origin: germline.
Comment: The p.C634W pathogenic mutation (also known as c.1902C>G), located in coding exon 11 of the RET gene, results from a C to G substitution at nucleotide position 1902. The cysteine at codon 634 is replaced by tryptophan, an amino acid with highly dissimilar properties. Codon 634 in the RET gene is a well known hot spot for pathogenic mutations, and individuals with mutations in this codon have a high risk for MEN2A related manifestations that may require surveillance, screening, and/or possible surgical interventions in early childhood (American Thyroid Association Guidelines Task Force. Thyroid. 2009 Jun;19(6):565-612; Wells SA Jr et al. Thyroid. 2015 Jun;25(6):567-610). The p.C634W pathogenic mutation has been reported in several unrelated families diagnosed with MEN2A (Mulligan LM et al. Nat. Genet. 1994 Jan; 6(1):70-4; Hedayati M et al. J Thyroid Res 2011;264248; Pun DL et al. Chirurgia (Bucur) 2013;108(6):900-3). This pathogenic mutation has also been reported in two unrelated individuals with nonsyndromic pheochromocytomas but no other relevant family history (Neumann HP et al. N. Engl. J. Med. 2002 May; 346(19):1459-66). This amino acid position is highly conserved in available vertebrate species. In addition, this alteration is predicted to be deleterious by in silico analysis. Based on the supporting evidence, this alteration is pathogenic for MEN2; however, the association of this alteration with Hirschsprung disease is unknown.

Myriad Genetics, Inc.
Classification: Pathogenic for Multiple endocrine neoplasia type 2A. Last evaluated: 2024-03-07. Review status: criteria provided, single submitter. Criteria: Myriad Autosomal Dominant, Autosomal Recessive and X-Linked Classification Criteria (2023). Collection method: clinical testing. Allele origin: unknown.
Comment: This variant is considered pathogenic. Functional studies indicate this variant impacts protein function [PMID: 9230192, 34905813]. This variant has been reported in multiple individuals with clinical features of gene-specific disease [PMID: 30763276, 7915822, 24331334, 26071011, 33827484, 25810047].

Mayo Clinic Laboratories, Mayo Clinic
Classification: Pathogenic. Last evaluated: 2022-08-30. Review status: criteria provided, single submitter. Criteria: ACMG Guidelines, 2015. Collection method: clinical testing. Allele origin: germline. Observed: 2 variant alleles.
Comment: PP1_strong, PP3, PP5, PM2, PM5, PS3_supporting, PS4_moderate

GeneDx
Classification: Pathogenic. Last evaluated: 2022-05-17. Review status: criteria provided, single submitter. Criteria: GeneDx Variant Classification Process June 2021. Collection method: clinical testing. Allele origin: germline. Affected: yes.
Comment: Observed in several individuals with medullary thyroid carcinoma (MTC) and/or pheochromocytoma, and has been found to segregate with disease in multiple MEN2A kindreds (Lips 1994, Punales 2003, Hedayati 2006, Paun 2013, Lang 2015, Pandit 2016); Published functional studies demonstrate a damaging effect: high transforming efficiency and clonogenic ability, constitutive activation of RET protein (Santoro 1995); In silico analysis supports that this missense variant has a deleterious effect on protein structure/function; Not observed at significant frequency in large population cohorts (gnomAD); This variant is associated with the following publications: (PMID: 32235612, 30763276, 20516206, 26071011, 20672905, 33071967, 33125973, 11939755, 27539324, 24331334, 7907913, 28469506, 12000816, 15588376, 25795775, 18322301, 16507829, 18794325, 20979234, 17623957, 21765987, 23416954, 12788868, 8557249, 7915822, 28186607, 31263477, 31510104, 22226210, 29625052, 33450337, 14633923, 8984233, 7824936)

NM_020975.6(RET):c.1902C>G (p.Cys634Trp)

Gene: RET (ret proto-oncogene; plus strand). Cytogenetic location: 10q11.21.
Variant type: single nucleotide variant.
Coding change: c.1902C>G on transcript NM_020975.6 (MANE Select); coding-DNA position 1902, C replaced by G.
Protein change: p.Cys634Trp; replaces cysteine 634 with tryptophan.
Molecular consequence: missense variant.
Genome position (GRCh38, 1-based): chr10:43,114,502, C>G. VCF-style: chr10-43114502-C-G. GRCh37 (hg19) VCF-style: chr10-43609950-C-G.
Other names: c.1902C>G, p.Cys634Trp (NM_000323.2, NM_020629.2, NM_020630.7 and 4 more transcripts); c.1140C>G, p.Cys380Trp (NM_001355216.2); c.1614C>G, p.Cys538Trp (NM_001406770.1, NM_001406766.1, NM_001406767.1); c.1464C>G, p.Cys488Trp (NM_001406771.1, NM_001406773.1); c.1506C>G, p.Cys502Trp (NM_001406772.1, NM_001406769.1); c.1377C>G, p.Cys459Trp (NM_001406774.1); c.1176C>G, p.Cys392Trp (NM_001406775.1, NM_001406776.1, NM_001406777.1 and 1 more transcripts); c.717C>G, p.Cys239Trp (NM_001406790.1, NM_001406788.1, NM_001406789.1); and 7 more; short protein forms C634W, C380W, C199W, C292W, C304W, C459W, C538W, C239W.
Identifiers: ClinVar variation 13918 (VCV000013918.28), dbSNP rs77709286, ClinGen allele CA008378.